The following is an entry in ClinVar:

NM_022166.4(XYLT1):c.256GGA[7] (p.Gly89_Gly90dup)

Gene: XYLT1 (xylosyltransferase 1; minus strand). Cytogenetic location: 16p12.3.
Variant type: Microsatellite.
Coding change: c.256GGA[7] on transcript NM_022166.4 (MANE Select); seven copies in a row of the 3-base unit GGA starting at c.256; the reference has five copies in a row; two copies, 6 bases duplicated.
Protein change: p.Gly89_Gly90dup.
Molecular consequence: inframe insertion.
Genome position (GRCh38, 1-based): chr16:17,470,527-17,470,532, TCCTCC duplicated on the plus strand (GGAGGA on the coding strand, the reverse complement: XYLT1 is on the minus strand); duplicating any 6 consecutive bases within chr16:17,470,527-17,470,541 gives the same sequence; the position shown is the placement nearest the transcript's 3' end. VCF-style (leftmost placement, unchanged base first): chr16-17470526-G-GTCCTCC. GRCh37 (hg19) VCF-style: chr16-17564383-G-GTCCTCC.
Identifiers: ClinVar variation 1045421 (VCV001045421.8), dbSNP rs748140156, ClinGen allele CA2210697570.

ClinVar aggregate classification (germline): Uncertain significance (1 of 4 stars; one submission).

Conditions:
Desbuquois dysplasia 1 (DBQD1). Also called: MICROMELIC DWARFISM WITH VERTEBRAL AND METAPHYSEAL ABNORMALITIES AND ADVANCED CARPOTARSAL OSSIFICATION; DESBUQUOIS DYSPLASIA 1, KIM VARIANT. Identifiers: Orphanet 1425, MedGen C4012146, MONDO:0009629, OMIM 251450.

Submission:

Labcorp Genetics (formerly Invitae), Labcorp
Classification: Uncertain significance for Desbuquois dysplasia 1. Last evaluated: 2020-09-21. Review status: criteria provided, single submitter. Criteria: Invitae Variant Classification Sherloc (09022015). Collection method: clinical testing. Allele origin: germline.
Comment: This variant, c.265_270dup, results in the insertion of 2 amino acid(s) to the XYLT1 protein (p.Gly89_Gly90dup), but otherwise preserves the integrity of the reading frame. The frequency data for this variant in the population databases is considered unreliable, as metrics indicate insufficient coverage at this position in the ExAC database. In summary, the available evidence is currently insufficient to determine the role of this variant in disease. Therefore, it has been classified as a Variant of Uncertain Significance. Experimental studies and prediction algorithms are not available or were not evaluated, and the functional significance of this variant is currently unknown. This variant has not been reported in the literature in individuals with XYLT1-related conditions.